The following is an entry in ClinVar:

NM_001298.3(CNGA3):c.1640T>G (p.Phe547Cys)

Gene: CNGA3 (cyclic nucleotide gated channel subunit alpha 3; plus strand). Cytogenetic location: 2q11.2.
Variant type: single nucleotide variant.
Coding change: c.1640T>G on transcript NM_001298.3 (MANE Select); coding-DNA position 1640, T replaced by G.
Protein change: p.Phe547Cys; replaces phenylalanine 547 with cysteine.
Molecular consequence: missense variant.
Genome position (GRCh38, 1-based): chr2:98,396,810, T>G. VCF-style: chr2-98396810-T-G. GRCh37 (hg19) VCF-style: chr2-99013273-T-G.
Other names: c.1586T>G, p.Phe529Cys (NM_001079878.2); short protein forms F529C, F547C.
Identifiers: ClinVar variation 2734254 (VCV002734254.3), dbSNP rs2468060212, ClinGen allele CA347833979.
Genomic context (GRCh38, chr2:98,396,810, plus strand): 5'-TGGCCGTGGTGGCTGATGATGGGGTCACCCAGTTCGTGGTCCTCAGCGATGGCAGCTACT[T>G]CGGGGAGATCAGCATTCTGAACATCAAGGGGAGCAAGTCGGGGAACCGCAGGACGGCCAA-3'
Protein context (NP_001289.1, residues 537-557): QFVVLSDGSY[Phe547Cys]GEISILNIKG

ClinVar aggregate classification (germline): Pathogenic (1 of 4 stars; one submission).

Submission:

Labcorp Genetics (formerly Invitae), Labcorp
Classification: Pathogenic. Last evaluated: 2023-08-28. Review status: criteria provided, single submitter. Criteria: Invitae Variant Classification Sherloc (09022015). Collection method: clinical testing. Allele origin: germline.
Comment: This variant is not present in population databases (gnomAD no frequency). This sequence change replaces phenylalanine, which is neutral and non-polar, with cysteine, which is neutral and slightly polar, at codon 547 of the CNGA3 protein (p.Phe547Cys). This missense change has been observed in individual(s) with achromatopsia (PMID: 25616768). In at least one individual the data is consistent with being in trans (on the opposite chromosome) from a pathogenic variant. It has also been observed to segregate with disease in related individuals. Advanced modeling of protein sequence and biophysical properties (such as structural, functional, and spatial information, amino acid conservation, physicochemical variation, residue mobility, and thermodynamic stability) performed at Invitae indicates that this missense variant is expected to disrupt CNGA3 protein function. This variant disrupts the p.Phe547 amino acid residue in CNGA3. Other variant(s) that disrupt this residue have been determined to be pathogenic (PMID: 9662398, 11536077, 14757870, 23972307, 30682209). This suggests that this residue is clinically significant, and that variants that disrupt this residue are likely to be disease-causing. For these reasons, this variant has been classified as Pathogenic.

Literature cited by the submitters: PubMed 25616768; PubMed 9662398; PubMed 11536077; PubMed 14757870; PubMed 23972307; PubMed 30682209.